The following is an entry in ClinVar:

ClinVar aggregate classification (germline): Pathogenic (1 of 4 stars; one submission).

Conditions:
Primary ciliary dyskinesia 3. Identifiers: Orphanet 244, MedGen C1837618, MONDO:0012085, OMIM 608644.

Submission:

Myriad Genetics, Inc.
Classification: Pathogenic for Primary ciliary dyskinesia 3. Last evaluated: 2024-05-14. Review status: criteria provided, single submitter. Criteria: Myriad Autosomal Dominant, Autosomal Recessive and X-Linked Classification Criteria (2023). Collection method: clinical testing. Allele origin: unknown.
Comment: NM_001369.2(DNAH5):c.5394_5395ins19(S1799Rfs*4) is expected to be pathogenic in the context of primary ciliary dyskinesia, DNAH5-related. This variant is predicted to lead to an abnormal or absent protein product due to the creation of a premature termination codon in DNAH5, a gene where loss-of-function variants are known to be pathogenic. Please note: this variant was assessed in the context of healthy population screening.

NM_001369.3(DNAH5):c.5394_5395insAGATGTGTATAAGAGACAG (p.Ser1799delinsArgCysValTer)

Gene: DNAH5 (dynein axonemal heavy chain 5; minus strand). Cytogenetic location: 5p15.2.
Variant type: Insertion.
Coding change: c.5394_5395insAGATGTGTATAAGAGACAG on transcript NM_001369.3 (MANE Select); coding-DNA positions 5394 to 5395, AGATGTGTATAAGAGACAG inserted.
Protein change: p.Ser1799delinsArgCysValTer.
Molecular consequence: nonsense.
Genome position: GRCh38 VCF-style: chr5-13841781-A-ACTGTCTCTTATACACATCT. GRCh37 (hg19) VCF-style: chr5-13841890-A-ACTGTCTCTTATACACATCT.
Identifiers: ClinVar variation 5011010 (VCV005011010.1).
Genomic context (GRCh38, chr5:13,841,781, plus strand): 5'-TTAGTTGGAAACCTGTTTCTTGAATATTTGCGGCTGCCTGGCGAATCACAAGATGCAATG[A>ACTGTCTCTTATACACATCT]GGACTGAGATTCTTCCAAAAGAGAATTAAGCCAAACTTCCACATTGCCCTCTGCCATGAC-3'